The following is an entry in ClinVar:

ClinVar aggregate classification (germline): Pathogenic (1 of 4 stars; one submission).

Conditions:
PRPH2-related disorder. Also called: PRPH2-related condition; PRPH2-related disorders. Identifiers: MedGen CN239395.

Submission:

Labcorp Genetics (formerly Invitae), Labcorp
Classification: Pathogenic for PRPH2-related disorder. Last evaluated: 2025-12-24. Review status: criteria provided, single submitter. Criteria: Invitae Variant Classification Sherloc (09022015). Collection method: clinical testing. Allele origin: germline.
Comment: This sequence change creates a premature translational stop signal (p.Gln287Argfs*37) in the PRPH2 gene. While this is not anticipated to result in nonsense mediated decay, it is expected to disrupt the last 60 amino acid(s) of the PRPH2 protein. This variant is not present in population databases (gnomAD no frequency). This variant has not been reported in the literature in individuals affected with PRPH2-related conditions. ClinVar contains an entry for this variant (Variation ID: 2102722). This variant disrupts a region of the PRPH2 protein in which other variant(s) (p.Leu307Argfs*17) have been determined to be pathogenic (PMID: 8019570, 17148040, 24265693). This suggests that this is a clinically significant region of the protein, and that variants that disrupt it are likely to be disease-causing. For these reasons, this variant has been classified as Pathogenic.

Literature cited by the submitters: PubMed 8019570; PubMed 17148040; PubMed 24265693.

NM_000322.5(PRPH2):c.858del (p.Gln287fs)

Gene: PRPH2 (peripherin 2; minus strand). Cytogenetic location: 6p21.1.
Variant type: Deletion.
Coding change: c.858del on transcript NM_000322.5 (MANE Select); coding-DNA position 858, one base deleted (A; older notation c.858delA).
Protein change: p.Gln287fs; shifts the reading frame from glutamine 287.
Molecular consequence: frameshift variant.
Genome position (GRCh38, 1-based): chr6:42,698,478, T deleted on the plus strand (A on the coding strand, the reverse complement: PRPH2 is on the minus strand). VCF-style (leftmost placement, unchanged base first): chr6-42698477-GT-G. GRCh37 (hg19) VCF-style: chr6-42666215-GT-G.
Other names: short protein forms Q287fs.
Identifiers: ClinVar variation 2102722 (VCV002102722.4), dbSNP rs2548298397, ClinGen allele CA2580074569.